The following is an entry in ClinVar:

ClinVar aggregate classification (germline): Uncertain significance. Review status: criteria provided, multiple submitters, no conflicts (2 of 4 stars). 2 submissions from 2 submitters: Uncertain significance (2). Last evaluated 2024-12-09.

Allele frequency attached by ClinVar (database versions not stated): gnomAD 0.00003; gnomAD exomes 0.00003 and 0.00004; ExAC 0.00004; TOPMed 0.00004; ESP Exome Variant Server 0.00009.
gnomAD v4.1: 61 of 1,602,418 alleles (0.0038%); highest among the groups gnomAD compares: Non-Finnish European, 0.0048%; no homozygotes.

Submissions (2):

Labcorp Genetics (formerly Invitae), Labcorp
Classification: Uncertain significance. Last evaluated: 2024-12-09. Review status: criteria provided, single submitter. Criteria: Invitae Variant Classification Sherloc (09022015). Collection method: clinical testing. Allele origin: germline.
Comment: This sequence change affects codon 1403 of the NPAT mRNA. It is a 'silent' change, meaning that it does not change the encoded amino acid sequence of the NPAT protein. This variant is present in population databases (rs373369834, gnomAD 0.006%). This variant has not been reported in the literature in individuals affected with NPAT-related conditions. ClinVar contains an entry for this variant (Variation ID: 1337733). Algorithms developed to predict the effect of sequence changes on RNA splicing suggest that this variant may create or strengthen a splice site. In summary, the available evidence is currently insufficient to determine the role of this variant in disease. Therefore, it has been classified as a Variant of Uncertain Significance.

Genetic Services Laboratory, University of Chicago
Classification: Uncertain significance. Last evaluated: 2020-09-09. Review status: criteria provided, single submitter. Criteria: ACMG Guidelines, 2015. Collection method: clinical testing. Allele origin: germline. Affected: no.

NM_002519.3(NPAT):c.4209A>G (p.Lys1403=)

Gene: NPAT (nuclear protein, coactivator of histone transcription; minus strand). Cytogenetic location: 11q22.3.
Variant type: single nucleotide variant.
Coding change: c.4209A>G on transcript NM_002519.3 (MANE Select); coding-DNA position 4209, A replaced by G.
Protein change: p.Lys1403=; no amino-acid change (lysine 1403 retained).
Molecular consequence: synonymous variant.
Genome position (GRCh38, 1-based): chr11:108,159,017, T>C on the plus strand (A>G on the coding strand, the complement: NPAT is on the minus strand). VCF-style: chr11-108159017-T-C. GRCh37 (hg19) VCF-style: chr11-108029744-T-C.
Other names: c.4230A>G, p.Lys1410= (NM_001321307.1).
Identifiers: ClinVar variation 1337733 (VCV001337733.7), dbSNP rs373369834, ClinGen allele CA6263444.
Genomic context (GRCh38, chr11:108,159,017, plus strand): 5'-CAATGATAACAAAAATTTGTCTACATCCATTCCTGCTGGAAATGAACTGGGAAGCTTCTT[T>C]TTCTGTTGAAAAAGAGAAAGAAAAAATAAACTCAAAACAAGGCCAAAATGCTTTCTTAGT-3'
Protein context (NP_002510.2, residues 1393-1413): SIPMKKKKIK[Lys1403=]KKLPSSFPAG